The following is an entry in ClinVar:

ClinVar aggregate classification (germline): Likely benign (1 of 4 stars; one submission).

Conditions:
ABL1-related disorder. Also called: ABL1-related condition.

gnomAD v4.1: 5 of 1,614,202 alleles (0.00031%); highest among the groups gnomAD compares: Non-Finnish European, 0.00042%; no homozygotes.

Submission:

PreventionGenetics, part of Exact Sciences
Classification: Likely benign for ABL1-related condition. Last evaluated: 2026-06-21. Review status: criteria provided, single submitter. Criteria: ACMG Guidelines, 2015. Collection method: clinical testing. Allele origin: germline.
Comment: This variant is classified as likely benign based on ACMG/AMP sequence variant interpretation guidelines (Richards et al. 2015 PMID: 25741868, with internal and published modifications).

NM_005157.6(ABL1):c.327C>G (p.Gly109=)

Gene: ABL1 (ABL proto-oncogene 1, non-receptor tyrosine kinase; plus strand). Cytogenetic location: 9q34.12.
Variant type: single nucleotide variant.
Coding change: c.327C>G on transcript NM_005157.6 (MANE Select); coding-DNA position 327, C replaced by G.
Protein change: p.Gly109=; no amino-acid change (glycine 109 retained).
Molecular consequence: synonymous variant.
Genome position (GRCh38, 1-based): chr9:130,854,874, C>G. VCF-style: chr9-130854874-C-G. GRCh37 (hg19) VCF-style: chr9-133730261-C-G.
Other names: c.384C>G, p.Gly128= (NM_007313.3).
Identifiers: ClinVar variation 4990095 (VCV004990095.1).